The following is an entry in ClinVar:

NM_000059.4(BRCA2):c.5170A>G (p.Ile1724Val)

Gene: BRCA2 (BRCA2 DNA repair associated; plus strand). Cytogenetic location: 13q13.1.
Variant type: single nucleotide variant.
Coding change: c.5170A>G on transcript NM_000059.4 (MANE Select); coding-DNA position 5170, A replaced by G.
Protein change: p.Ile1724Val; replaces isoleucine 1724 with valine.
Molecular consequence: missense variant.
Genome position (GRCh38, 1-based): chr13:32,339,525, A>G. VCF-style: chr13-32339525-A-G. GRCh37 (hg19) VCF-style: chr13-32913662-A-G.
Other names: p.I1724V:ATA>GTA; 5398A>G; short protein forms I1724V.
Identifiers: ClinVar variation 96817 (VCV000096817.34), dbSNP rs35335654, ClinGen allele CA021537.

ClinVar aggregate classification (germline): Benign/Likely benign. Review status: criteria provided, multiple submitters, no conflicts (2 of 4 stars). 14 submissions from 14 submitters: Benign (2); Likely benign (8). 4 of the submissions do not count toward it. Last evaluated 2026-01-28.

Conditions:
Hereditary breast ovarian cancer syndrome. Also called: BRCA1- and BRCA2-Associated Hereditary Breast and Ovarian Cancer; Hereditary breast and ovarian cancer syndrome; Breast and ovarian cancer; Hereditary breast and ovarian cancer syndrome (HBOC); Hereditary breast and ovarian cancer; Hereditary breast and/or ovarian cancer syndrome. Identifiers: Orphanet 145, MedGen C0677776, MeSH D061325, MONDO:0003582. Disease mechanism: loss of function.
BRCA2-related disorder. Also called: BRCA2-related condition; BRCA2-related disorders. Identifiers: MedGen CN239275.
Hereditary cancer-predisposing syndrome. Also called: Hereditary Cancer Syndrome; Hereditary neoplastic syndrome; Neoplastic Syndromes, Hereditary; Tumor predisposition. Identifiers: Orphanet 140162, MedGen C0027672, MeSH D009386, MONDO:0015356.
Ovarian cancer. Also called: OVARIAN CANCER, SOMATIC. Identifiers: Orphanet 213500, MedGen C1140680, MONDO:0008170, OMIM 167000.
Breast-ovarian cancer, familial, susceptibility to, 2 (BROVCA2). Also called: BRCA2 Hereditary Breast and Ovarian Cancer. Identifiers: Orphanet 145, MedGen C2675520, MONDO:0012933, OMIM 612555. Disease mechanism: loss of function.

Allele frequency attached by ClinVar (database versions not stated): gnomAD exomes 0.00002 and 0.00005; ExAC 0.00007; gnomAD 0.00020 and 0.00023; TOPMed 0.00024; ESP Exome Variant Server 0.00054.
gnomAD v4.1: 56 of 1,603,398 alleles (0.0035%); highest among the groups gnomAD compares: African/African-American, 0.07%; no homozygotes.

Submissions (14):

Labcorp Genetics (formerly Invitae), Labcorp
Classification: Likely benign for Hereditary breast ovarian cancer syndrome. Last evaluated: 2026-01-28. Review status: criteria provided, single submitter. Criteria: Invitae Variant Classification Sherloc (09022015). Collection method: clinical testing. Allele origin: germline.

Mendelics
Classification: Likely benign for Hereditary cancer-predisposing syndrome. Last evaluated: 2024-04-08. Review status: criteria provided, single submitter. Criteria: ACMG Guidelines, 2015. Collection method: clinical testing. Allele origin: unknown.

Hereditary Cancer Laboratory, Hospital Universitario 12 de Octubre
Classification: Likely benign for Hereditary cancer-predisposing syndrome. Last evaluated: 2024-03-11. Review status: criteria provided, single submitter. Criteria: ACMG Guidelines, 2015. Collection method: clinical testing. Allele origin: germline.
Comment: PM2+BP4+BP6mod

Blueprint Genetics
Classification: Likely benign. Last evaluated: 2022-08-09. Review status: criteria provided, single submitter. Criteria: ACMG Guidelines, 2015. Collection method: clinical testing. Allele origin: germline.

Women's Health and Genetics/Laboratory Corporation of America, LabCorp
Classification: Benign. Last evaluated: 2021-09-10. Review status: criteria provided, single submitter. Criteria: LabCorp Variant Classification Summary - May 2015. Collection method: clinical testing. Allele origin: germline.
Comment: Variant summary: BRCA2 c.5170A>G (p.Ile1724Val) results in a conservative amino acid change in the encoded protein sequence. Five of five in-silico tools predict a benign effect of the variant on protein function. The variant allele was found at a frequency of 4.5e-05 in 242492 control chromosomes, predominantly at a frequency of 0.00071 within the African or African-American subpopulation in the gnomAD database. In addition, this variant was found in 5/2559 African individuals over age 70 with no history of cancer. To our knowledge, no occurrence of c.5170A>G in individuals affected with Hereditary Breast And Ovarian Cancer Syndrome and no experimental evidence demonstrating its impact on protein function have been reported. Co-occurrences with other pathogenic variants have been reported (BRCA1 c.211A>G , p.Arg71Gly; BRCA1 c.470_471delCT , p.Ser157X; BRCA1 943ins10), providing supporting evidence for a benign role. Six clinical diagnostic laboratories have submitted clinical-significance assessments for this variant to ClinVar after 2014 without evidence for independent evaluation. All laboratories classified the variant as benign/likely benign. Based on the evidence outlined above, the variant was classified as benign.

Genetic Services Laboratory, University of Chicago
Classification: Likely benign. Last evaluated: 2021-04-29. Review status: criteria provided, single submitter. Criteria: ACMG Guidelines, 2015. Collection method: clinical testing. Allele origin: germline. Affected: no.

Quest Diagnostics Nichols Institute San Juan Capistrano
Classification: Likely benign. Last evaluated: 2021-01-07. Review status: criteria provided, single submitter. Criteria: Quest Diagnostics criteria. Collection method: clinical testing. Allele origin: unknown.

GeneDx
Classification: Likely benign. Last evaluated: 2020-10-23. Review status: criteria provided, single submitter. Criteria: GeneDx Variant Classification Process June 2021. Collection method: clinical testing. Allele origin: germline. Affected: yes.
Comment: In silico analysis, which includes protein predictors and evolutionary conservation, supports that this variant does not alter protein structure/function; Has not been previously published as pathogenic or benign to our knowledge; This variant is associated with the following publications: (PMID: 25348012)

Ambry Genetics
Classification: Likely benign for Hereditary cancer-predisposing syndrome. Last evaluated: 2019-03-20. Review status: criteria provided, single submitter. Criteria: Ambry Variant Classification Scheme 2023. Collection method: clinical testing. Allele origin: germline.

Color Diagnostics, LLC DBA Color Health
Classification: Benign for Hereditary cancer-predisposing syndrome. Last evaluated: 2015-11-16. Review status: criteria provided, single submitter. Criteria: ACMG Guidelines, 2015. Collection method: clinical testing. Allele origin: germline.

PreventionGenetics, part of Exact Sciences
Classification: Likely benign for BRCA2-related condition. Last evaluated: 2022-03-24. Review status: no assertion criteria provided. Collection method: clinical testing. Allele origin: germline. Not counted in ClinVar's aggregate classification.
Comment: This variant is classified as likely benign based on ACMG/AMP sequence variant interpretation guidelines (Richards et al. 2015 PMID: 25741868, with internal and published modifications).

3DMed Clinical Laboratory Inc
Classification: Likely benign for Ovarian cancer. Last evaluated: 2018-01-02. Review status: no assertion criteria provided. Criteria: ACMG Guidelines, 2015. Collection method: clinical testing. Allele origin: germline. Affected: yes. Not counted in ClinVar's aggregate classification.

Sharing Clinical Reports Project (SCRP)
Classification: Benign for Breast-ovarian cancer, familial 2. Last evaluated: 2012-05-01. Review status: no assertion criteria provided. Collection method: clinical testing. Allele origin: germline. Not counted in ClinVar's aggregate classification.

Breast Cancer Information Core (BIC) (BRCA2)
Classification: Uncertain significance for Breast-ovarian cancer, familial 2. Last evaluated: 2003-12-23. Review status: no assertion criteria provided. Collection method: clinical testing. Allele origin: germline. Affected: yes. Observed: 3 variant alleles. Not counted in ClinVar's aggregate classification.

Literature cited by the submitters: PubMed 25348012 (cited by Women's Health and Genetics/Laboratory Corporation of America, LabCorp and Quest Diagnostics Nichols Institute San Juan Capistrano).